The following is an entry in ClinVar:

NM_006623.4(PHGDH):c.817del (p.Val273fs)

Gene: PHGDH (phosphoglycerate dehydrogenase; plus strand). Cytogenetic location: 1p12.
Variant type: Deletion.
Coding change: c.817del on transcript NM_006623.4 (MANE Select); coding-DNA position 817, one base deleted (G; older notation c.817delG).
Protein change: p.Val273fs; shifts the reading frame from valine 273.
Molecular consequence: frameshift variant.
Genome position (GRCh38, 1-based): chr1:119,737,138, G deleted; the last of 2 consecutive G bases (chr1:119,737,137-119,737,138); deleting either gives the same sequence. VCF-style (leftmost placement, unchanged base first): chr1-119737136-TG-T. GRCh37 (hg19) VCF-style: chr1-120279759-TG-T.
Other names: short protein forms V273fs.
Identifiers: ClinVar variation 5013695 (VCV005013695.1).
Genomic context (GRCh38, chr1:119,737,136, plus strand): 5'-CCATGGCAGCCAACTTAGAGGTATCTCTTTCTGGGCAGGAGCCGCCACGGGACCGGGCCT[TG>T]GTGGACCATGAGAATGTCATCAGCTGTCCCCACCTGGGTGCCAGCACCAAGGAGGCTCAG-3'

ClinVar aggregate classification (germline): Pathogenic (1 of 4 stars; one submission).

Conditions:
Neurometabolic disorder due to serine deficiency. Identifiers: Orphanet 35705, MedGen C5680148, MONDO:0018162.

Submission:

Myriad Genetics, Inc.
Classification: Pathogenic for Neurometabolic disorder due to serine deficiency. Last evaluated: 2024-11-01. Review status: criteria provided, single submitter. Criteria: Myriad Autosomal Dominant, Autosomal Recessive and X-Linked Classification Criteria (2023). Collection method: clinical testing. Allele origin: unknown.
Comment: NM_006623.3(PHGDH):c.817delG(V273Wfs*35) is expected to be pathogenic in the context of serine deficiency disorder, PHGDH-related. This variant is predicted to lead to an abnormal or absent protein product due to the creation of a premature termination codon in PHGDH, a gene where loss-of-function variants are known to be pathogenic. Please note: this variant was assessed in the context of healthy population screening.